The following is an entry in ClinVar:

ClinVar aggregate classification (germline): Pathogenic (0 of 4 stars; one submission).

Submission:

GenMed Metabolism Lab
Classification: Pathogenic. Review status: no assertion criteria provided. Collection method: not provided. Allele origin: unknown.
ClinVar note: Converted during submission from pathogenic to Pathogenic.

NM_000531.6(OTC):c.179C>T (p.Ser60Leu)

Gene: OTC (ornithine transcarbamylase; plus strand). Cytogenetic location: Xp11.4.
Variant type: single nucleotide variant.
Coding change: c.179C>T on transcript NM_000531.6 (MANE Select); coding-DNA position 179, C replaced by T.
Protein change: p.Ser60Leu; replaces serine 60 with leucine.
Molecular consequence: missense variant.
Genome position (GRCh38, 1-based): chrX:38,367,392, C>T. VCF-style: chrX-38367392-C-T. GRCh37 (hg19) VCF-style: chrX-38226645-C-T.
Other names: short protein forms S60L.
Identifiers: ClinVar variation 97128 (VCV000097128.2), dbSNP rs72554323, ClinGen allele CA224492.
Genomic context (GRCh38, chrX:38,367,392, plus strand): 5'-GTGACCTTCTCACTCTAAAAAACTTTACCGGAGAAGAAATTAAATATATGCTATGGCTAT[C>T]AGCAGATCTGAAATTTAGGATAAAACAGAAAGGAGAGGTATGTAACATTTTCTTTTTACG-3'
Protein context (NP_000522.3, residues 50-70): GEEIKYMLWL[Ser60Leu]ADLKFRIKQK